The following is an entry in ClinVar:

NM_001012331.1(NTRK1):c.-45371T>C

Genes: NTRK1 (neurotrophic receptor tyrosine kinase 1; plus strand), SH2D2A (SH2 domain containing 2A; minus strand). Cytogenetic location: 1q23.1.
Variant type: single nucleotide variant.
Coding change: c.-45371T>C on transcript NM_001012331.1; 45371 bases upstream of the start codon, T replaced by C.
Molecular consequence: intron variant (on NM_003975.4).
Genome position (GRCh38, 1-based): chr1:156,815,564, T>C. VCF-style: chr1-156815564-T-C. GRCh37 (hg19) VCF-style: chr1-156785356-T-C.
Other names: c.70-343A>G (NM_001161442.2); c.124-343A>G (NM_003975.4, NM_001161441.2, NM_001161444.2); c.40-343A>G (NM_001161443.2).
Identifiers: ClinVar variation 667736 (VCV000667736.4), dbSNP rs2150906, ClinGen allele CA10960669.

ClinVar aggregate classification (germline): Benign. Review status: criteria provided, multiple submitters, no conflicts (2 of 4 stars). 2 submissions from 2 submitters: Benign (2). Last evaluated 2018-06-14.

Allele frequency attached by ClinVar (database versions not stated): gnomAD 0.85419 and 0.85065; 1000 Genomes Project 30x 0.81371; TOPMed 0.84321; gnomAD exomes 0.91918; 1000 Genomes Project 0.82328.
gnomAD v4.1: 549,828 of 609,098 alleles (90%); highest among the groups gnomAD compares: East Asian, 95%; 250,060 homozygotes.

Submissions (2):

GeneDx
Classification: Benign. Last evaluated: 2018-06-14. Review status: criteria provided, single submitter. Criteria: GeneDx Variant Classification (06012015). Collection method: clinical testing. Allele origin: germline. Affected: yes.
Comment: This variant is considered likely benign or benign based on one or more of the following criteria: it is a conservative change, it occurs at a poorly conserved position in the protein, it is predicted to be benign by multiple in silico algorithms, and/or has population frequency not consistent with disease.

Breakthrough Genomics
Classification: Benign. Review status: criteria provided, single submitter. Criteria: ACMG Guidelines, 2015. Collection method: not provided. Allele origin: germline. Inheritance: Unknown mechanism. Affected: yes.